The following is an entry in ClinVar:

ClinVar aggregate classification (germline): Uncertain significance (1 of 4 stars; one submission).

Submission:

GeneDx
Classification: Uncertain significance. Last evaluated: 2023-12-12. Review status: criteria provided, single submitter. Criteria: GeneDx Variant Classification Process June 2021. Collection method: clinical testing. Allele origin: germline. Affected: yes.
Comment: In silico analysis supports that this missense variant has a deleterious effect on protein structure/function; Not observed at significant frequency in large population cohorts (gnomAD); Has not been previously published as pathogenic or benign to our knowledge

NM_001320752.2(STS):c.383G>A (p.Gly128Glu)

Gene: STS (steroid sulfatase; plus strand). Cytogenetic location: Xp22.31.
Variant type: single nucleotide variant.
Coding change: c.383G>A on transcript NM_001320752.2 (MANE Select); coding-DNA position 383, G replaced by A.
Protein change: p.Gly128Glu; replaces glycine 128 with glutamic acid.
Molecular consequence: missense variant.
Genome position (GRCh38, 1-based): chrX:7,259,349, G>A. VCF-style: chrX-7259349-G-A. GRCh37 (hg19) VCF-style: chrX-7177390-G-A.
Other names: c.383G>A, p.Gly128Glu (NM_000351.7, NM_001320753.2, NM_001320754.2); c.419G>A, p.Gly140Glu (NM_001320750.3, NM_001320751.2); short protein forms G128E, G140E.
Identifiers: ClinVar variation 3365446 (VCV003365446.1).